The following is an entry in ClinVar:

ClinVar aggregate classification (germline): Benign. Review status: criteria provided, multiple submitters, no conflicts (2 of 4 stars). 9 submissions from 9 submitters: Benign (5). 4 of the submissions do not count toward it. Last evaluated 2026-02-03.

Conditions:
Mandibulofacial dysostosis-microcephaly syndrome (MFDGA). Also called: Growth and mental retardation, mandibulofacial dysostosis, microcephaly, and cleft palate; Mandibulofacial dysostosis, Guion-Almeida type. Identifiers: Orphanet 79113, MedGen C1864652, MONDO:0012516, OMIM 610536.

Allele frequency attached by ClinVar (database versions not stated): gnomAD exomes 0.17020 and 0.20081; 1000 Genomes Project 0.17053; ExAC 0.17427; 1000 Genomes Project 30x 0.17614; gnomAD 0.20106 and 0.20662; TOPMed 0.20376; ESP Exome Variant Server 0.21951.
gnomAD v4.1: 323,185 of 1,613,850 alleles (20%); highest among the groups gnomAD compares: African/African-American, 26%; 33,798 homozygotes.

Submissions (9):

Labcorp Genetics (formerly Invitae), Labcorp
Classification: Benign. Last evaluated: 2026-02-03. Review status: criteria provided, single submitter. Criteria: Invitae Variant Classification Sherloc (09022015). Collection method: clinical testing. Allele origin: germline.

Blueprint Genetics
Classification: Benign. Last evaluated: 2024-11-27. Review status: criteria provided, single submitter. Criteria: ACMG Guidelines, 2015. Collection method: clinical testing. Allele origin: germline.

GeneDx
Classification: Benign. Last evaluated: 2018-07-03. Review status: criteria provided, single submitter. Criteria: GeneDx Variant Classification Process June 2021. Collection method: clinical testing. Allele origin: germline. Affected: yes.

Breakthrough Genomics
Classification: Benign. Review status: criteria provided, single submitter. Criteria: ACMG Guidelines, 2015. Collection method: not provided. Allele origin: germline. Inheritance: Autosomal dominant inheritance. Affected: yes.

PreventionGenetics, part of Exact Sciences
Classification: Benign. Review status: criteria provided, single submitter. Criteria: ACMG Guidelines, 2015. Collection method: clinical testing. Allele origin: germline.

Clinical Genetics DNA and cytogenetics Diagnostics Lab, Erasmus MC, Erasmus Medical Center
Classification: Benign. Review status: no assertion criteria provided. Collection method: clinical testing. Allele origin: germline. Affected: yes. Study: VKGL Data-share Consensus. Not counted in ClinVar's aggregate classification.

Diagnostic Laboratory, Department of Genetics, University Medical Center Groningen
Classification: Benign for Mandibulofacial dysostosis-microcephaly syndrome. Review status: no assertion criteria provided. Collection method: clinical testing. Allele origin: germline. Affected: yes. Study: VKGL Data-share Consensus. Not counted in ClinVar's aggregate classification.

Genetic Services Laboratory, University of Chicago
Classification: Likely benign for AllHighlyPenetrant. Review status: no assertion criteria provided. Collection method: clinical testing. Allele origin: germline. Inheritance: Autosomal dominant inheritance. Not counted in ClinVar's aggregate classification.
Comment: Likely benign based on allele frequency in 1000 Genomes Project or ESP global frequency and its presence in a patient with a rare or unrelated disease phenotype. NOT Sanger confirmed.

Joint Genome Diagnostic Labs from Nijmegen and Maastricht, Radboudumc and MUMC+
Classification: Benign. Review status: no assertion criteria provided. Collection method: clinical testing. Allele origin: germline. Affected: yes. Study: VKGL Data-share Consensus. Not counted in ClinVar's aggregate classification.

NM_004247.4(EFTUD2):c.762T>C (p.Thr254=)

Gene: EFTUD2 (elongation factor Tu GTP binding domain containing 2; minus strand). Cytogenetic location: 17q21.31.
Variant type: single nucleotide variant.
Coding change: c.762T>C on transcript NM_004247.4 (MANE Select); coding-DNA position 762, T replaced by C.
Protein change: p.Thr254=; no amino-acid change (threonine 254 retained).
Molecular consequence: synonymous variant.
Genome position (GRCh38, 1-based): chr17:44,876,041, A>G on the plus strand (T>C on the coding strand, the complement: EFTUD2 is on the minus strand). VCF-style: chr17-44876041-A-G. GRCh37 (hg19) VCF-style: chr17-42953409-A-G.
Other names: c.657T>C, p.Thr219= (NM_001142605.2); c.762T>C, p.Thr254= (NM_001258353.2); c.732T>C, p.Thr244= (NM_001258354.2).
Identifiers: ClinVar variation 128973 (VCV000128973.22), dbSNP rs2289674, ClinGen allele CA152695.